The following is an entry in ClinVar:

NM_015512.5(DNAH1):c.5879A>T (p.Asn1960Ile)

Gene: DNAH1 (dynein axonemal heavy chain 1; plus strand). Cytogenetic location: 3p21.1.
Variant type: single nucleotide variant.
Coding change: c.5879A>T on transcript NM_015512.5 (MANE Select); coding-DNA position 5879, A replaced by T.
Protein change: p.Asn1960Ile; replaces asparagine 1960 with isoleucine.
Molecular consequence: missense variant.
Genome position (GRCh38, 1-based): chr3:52,368,854, A>T. VCF-style: chr3-52368854-A-T. GRCh37 (hg19) VCF-style: chr3-52402870-A-T.
Other names: short protein forms N1960I.
Identifiers: ClinVar variation 5019639 (VCV005019639.2).

ClinVar aggregate classification (germline): Uncertain significance (1 of 4 stars; one submission).

Conditions:
Spermatogenic failure 18. Identifiers: MedGen C4539783, MONDO:0054615, OMIM 617576.
Ciliary dyskinesia, primary, 37 (CILD37). Also called: CILIARY DYSKINESIA, PRIMARY, 37, WITH OR WITHOUT SITUS INVERSUS. Identifiers: MedGen C4539798, MONDO:0033204, OMIM 617577.

Submission:

Juno Genomics, Hangzhou Juno Genomics, Inc
Classification: Uncertain significance for Ciliary dyskinesia, primary, 37; Spermatogenic failure 18. Review status: criteria provided, single submitter. Criteria: ACMG Guidelines, 2015. Collection method: clinical testing. Allele origin: germline.
Comment: Absent from controls (or at extremely low frequency if recessive) in Genome Aggregation Database.;Multiple lines of computational evidence support a deleterious effect on the gene or gene product.